The following is an entry in ClinVar:

ClinVar aggregate classification (germline): Uncertain significance (1 of 4 stars; one submission).

Conditions:
Heterotopia, periventricular, X-linked dominant (PVNH1). Also called: PERIVENTRICULAR NODULAR HETEROTOPIA 4; HETEROTOPIA, PERIVENTRICULAR, 1; PERIVENTRICULAR NODULAR HETEROTOPIA 1; X-linked periventricular heterotopia. Identifiers: Orphanet 2149, Orphanet 82004, MedGen C1848213, MONDO:0010233, OMIM 300049.
Melnick-Needles syndrome (MNS). Also called: MELNICK-NEEDLES OSTEODYSPLASTY; OSTEODYSPLASTY OF MELNICK AND NEEDLES; Melnick-Needles Syndrome (FLNA-MNS). Identifiers: Orphanet 2484, MedGen C0025237, MONDO:0010650, OMIM 309350.
Frontometaphyseal dysplasia (FMD1). Identifiers: Orphanet 1826, MedGen C0265293, MONDO:0015942.
Oto-palato-digital syndrome, type II (OPD2). Also called: FACIOPALATOOSSEOUS SYNDROME; OPD II SYNDROME; Otopalatodigital Syndrome, Type II; Otopalatodigital Syndrome Type 2 (FLNA-OPD2). Identifiers: Orphanet 669, Orphanet 90652, MedGen C1844696, MONDO:0010571, OMIM 304120.

Submission:

Labcorp Genetics (formerly Invitae), Labcorp
Classification: Uncertain significance for Oto-palato-digital syndrome, type II; Heterotopia, periventricular, X-linked dominant; Frontometaphyseal dysplasia; Melnick-Needles syndrome. Last evaluated: 2022-07-18. Review status: criteria provided, single submitter. Criteria: Invitae Variant Classification Sherloc (09022015). Collection method: clinical testing. Allele origin: germline.
Comment: In summary, the available evidence is currently insufficient to determine the role of this variant in disease. Therefore, it has been classified as a Variant of Uncertain Significance. Experimental studies and prediction algorithms are not available or were not evaluated, and the functional significance of this variant is currently unknown. ClinVar contains an entry for this variant (Variation ID: 1378139). This variant has not been reported in the literature in individuals affected with FLNA-related conditions. This variant is not present in population databases (gnomAD no frequency). This variant, c.5088_5090del, results in the deletion of 1 amino acid(s) of the FLNA protein (p.Glu1696del), but otherwise preserves the integrity of the reading frame.

NM_001110556.2(FLNA):c.5112_5114del (p.Glu1704del)

Gene: FLNA (filamin A; minus strand). Cytogenetic location: Xq28.
Variant type: Deletion.
Coding change: c.5112_5114del on transcript NM_001110556.2 (MANE Select); coding-DNA positions 5112 to 5114, 3 bases deleted (GGA; older notation c.5112_5114delGGA).
Protein change: p.Glu1704del; deletes glutamic acid 1704.
Molecular consequence: inframe deletion.
Genome position (GRCh38, 1-based): chrX:154,354,928-154,354,930, TCC deleted on the plus strand (GGA on the coding strand, the reverse complement: FLNA is on the minus strand); deleting any 3 consecutive bases within chrX:154,354,928-154,354,932 gives the same sequence; the c. name uses the placement nearest the transcript's 3' end. VCF-style (leftmost placement, unchanged base first): chrX-154354927-GTCC-G. GRCh37 (hg19) VCF-style: chrX-153583295-GTCC-G.
Other names: c.5088_5090del, p.Glu1696del (NM_001456.4); short protein forms E1704del, E1696del.
Identifiers: ClinVar variation 1378139 (VCV001378139.6), dbSNP rs2148107489, ClinGen allele CA2573159394.